The following is an entry in ClinVar:

NM_005869.4(CWC27):c.1081A>G (p.Arg361Gly)

Gene: CWC27 (CWC27 spliceosome associated cyclophilin; plus strand). Cytogenetic location: 5q12.3.
Variant type: single nucleotide variant.
Coding change: c.1081A>G on transcript NM_005869.4 (MANE Select); coding-DNA position 1081, A replaced by G.
Protein change: p.Arg361Gly; replaces arginine 361 with glycine.
Molecular consequence: missense variant.
Genome position (GRCh38, 1-based): chr5:64,971,741, A>G. VCF-style: chr5-64971741-A-G. GRCh37 (hg19) VCF-style: chr5-64267568-A-G.
Other names: c.1081A>G (NM_005869.2); c.1081A>G, p.Arg361Gly (NM_001297644.1); short protein forms R361G.
Identifiers: ClinVar variation 2133137 (VCV002133137.5), dbSNP rs773025110, ClinGen allele CA3282213.

ClinVar aggregate classification (germline): Uncertain significance. Review status: criteria provided, multiple submitters, no conflicts (2 of 4 stars). 2 submissions from 2 submitters: Uncertain significance (2). Last evaluated 2025-08-22.

Conditions:
Inborn genetic diseases. Identifiers: MedGen C0950123, MeSH D030342.

Allele frequency attached by ClinVar (database versions not stated): gnomAD exomes below 0.00001; ExAC 0.00001; gnomAD 0.00001; TOPMed 0.00001.
gnomAD v4.1: 3 of 1,611,822 alleles (0.00019%); highest among the groups gnomAD compares: Admixed American, 0.0017%; no homozygotes.

Submissions (2):

Ambry Genetics
Classification: Uncertain significance for Inborn genetic diseases. Last evaluated: 2025-08-22. Review status: criteria provided, single submitter. Criteria: Ambry Variant Classification Scheme 2023. Collection method: clinical testing. Allele origin: germline.

Labcorp Genetics (formerly Invitae), Labcorp
Classification: Uncertain significance. Last evaluated: 2024-05-20. Review status: criteria provided, single submitter. Criteria: Invitae Variant Classification Sherloc (09022015). Collection method: clinical testing. Allele origin: germline.
Comment: This sequence change replaces arginine, which is basic and polar, with glycine, which is neutral and non-polar, at codon 361 of the CWC27 protein (p.Arg361Gly). This variant is present in population databases (rs773025110, gnomAD 0.0009%). This variant has not been reported in the literature in individuals affected with CWC27-related conditions. ClinVar contains an entry for this variant (Variation ID: 2133137). An algorithm developed to predict the effect of missense changes on protein structure and function (PolyPhen-2) suggests that this variant is likely to be tolerated. In summary, the available evidence is currently insufficient to determine the role of this variant in disease. Therefore, it has been classified as a Variant of Uncertain Significance.